The following is an entry in ClinVar:

NM_000642.3(AGL):c.2941A>G (p.Ile981Val)

Gene: AGL (amylo-alpha-1,6-glucosidase and 4-alpha-glucanotransferase; plus strand). Cytogenetic location: 1p21.2.
Variant type: single nucleotide variant.
Coding change: c.2941A>G on transcript NM_000642.3 (MANE Select); coding-DNA position 2941, A replaced by G.
Protein change: p.Ile981Val; replaces isoleucine 981 with valine.
Molecular consequence: missense variant.
Genome position (GRCh38, 1-based): chr1:99,891,348, A>G. VCF-style: chr1-99891348-A-G. GRCh37 (hg19) VCF-style: chr1-100356904-A-G.
Other names: c.2941A>G, p.Ile981Val (NM_000028.3, NM_000643.3, NM_000644.3 and 1 more transcripts); c.2893A>G, p.Ile965Val (NM_000646.3); c.2920A>G, p.Ile974Val (NM_001425326.1); c.2740A>G, p.Ile914Val (NM_001425327.1); c.2737A>G, p.Ile913Val (NM_001425328.1); c.2602A>G, p.Ile868Val (NM_001425329.1); c.2563A>G, p.Ile855Val (NM_001425332.1); short protein forms I981V, I965V, I855V, I868V, I913V, I914V, I974V.
Identifiers: ClinVar variation 456479 (VCV000456479.17), dbSNP rs148981763, ClinGen allele CA966934.

ClinVar aggregate classification (germline): Conflicting classifications of pathogenicity. Review status: criteria provided, conflicting classifications (1 of 4 stars). 5 submissions from 5 submitters: Uncertain significance (2); Likely benign (2). 1 of the submissions does not count toward it. Last evaluated 2026-06-29.

Conditions:
AGL-related disorder. Also called: AGL-related condition.
Glycogen storage disease type III (GSD3). Also called: FORBES DISEASE; Cori disease. Identifiers: Orphanet 366, MedGen C0017922, MONDO:0009291, OMIM 232400.

Allele frequency attached by ClinVar (database versions not stated): gnomAD exomes 0.00003 and 0.00013; ExAC 0.00021; gnomAD 0.00036 and 0.00039; TOPMed 0.00044; ESP Exome Variant Server 0.00077.
gnomAD v4.1: 103 of 1,613,654 alleles (0.0064%); highest among the groups gnomAD compares: African/African-American, 0.12%; no homozygotes.

Submissions (5):

PreventionGenetics, part of Exact Sciences
Classification: Likely benign for AGL-related condition. Last evaluated: 2026-06-29. Review status: criteria provided, single submitter. Criteria: ACMG Guidelines, 2015. Collection method: clinical testing. Allele origin: germline.
Comment: This variant is classified as likely benign based on ACMG/AMP sequence variant interpretation guidelines (Richards et al. 2015 PMID: 25741868, with internal and published modifications).

Labcorp Genetics (formerly Invitae), Labcorp
Classification: Likely benign for Glycogen storage disease type III. Last evaluated: 2026-01-28. Review status: criteria provided, single submitter. Criteria: Invitae Variant Classification Sherloc (09022015). Collection method: clinical testing. Allele origin: germline.

Genome-Nilou Lab
Classification: Uncertain significance for Glycogen storage disease type III. Last evaluated: 2021-07-15. Review status: criteria provided, single submitter. Criteria: ACMG Guidelines, 2015. Collection method: clinical testing. Allele origin: germline. Affected: no.

Mayo Clinic Laboratories, Mayo Clinic
Classification: Uncertain significance. Last evaluated: 2020-11-27. Review status: criteria provided, single submitter. Criteria: ACMG Guidelines, 2015. Collection method: clinical testing. Allele origin: germline. Observed: 1 variant allele.

Natera, Inc.
Classification: Uncertain significance for Glycogen storage disease type III. Last evaluated: 2019-10-28. Review status: no assertion criteria provided. Collection method: clinical testing. Allele origin: germline. Not counted in ClinVar's aggregate classification.